The following is an entry in ClinVar:

ClinVar aggregate classification (germline): Uncertain significance (1 of 4 stars; one submission).

gnomAD v4.1: 16 of 1,613,610 alleles (0.00099%); highest among the groups gnomAD compares: Non-Finnish European, 0.0013%; no homozygotes.

Submission:

GeneDx
Classification: Uncertain significance. Last evaluated: 2023-06-04. Review status: criteria provided, single submitter. Criteria: GeneDx Variant Classification Process June 2021. Collection method: clinical testing. Allele origin: germline. Affected: yes.
Comment: Has not been previously published as pathogenic or benign to our knowledge; Not observed at significant frequency in large population cohorts (gnomAD); In silico analysis supports that this missense variant has a deleterious effect on protein structure/function

NM_001385012.1(NBEA):c.5116A>G (p.Thr1706Ala)

Gene: NBEA (neurobeachin; plus strand). Cytogenetic location: 13q13.3.
Variant type: single nucleotide variant.
Coding change: c.5116A>G on transcript NM_001385012.1 (MANE Select); coding-DNA position 5116, A replaced by G.
Protein change: p.Thr1706Ala; replaces threonine 1706 with alanine.
Molecular consequence: missense variant.
Genome position (GRCh38, 1-based): chr13:35,196,052, A>G. VCF-style: chr13-35196052-A-G. GRCh37 (hg19) VCF-style: chr13-35770189-A-G.
Other names: c.5107A>G, p.Thr1703Ala (NM_001379245.1); c.5116A>G, p.Thr1706Ala (NM_015678.5); short protein forms T1703A, T1706A.
Identifiers: ClinVar variation 3362227 (VCV003362227.1).